The following is an entry in ClinVar:

ClinVar aggregate classification (germline): Benign. Review status: criteria provided, single submitter (1 of 4 stars). 2 submissions from 2 submitters: Benign (1). 1 of the submissions does not count toward it. Last evaluated 2019-01-10.

Conditions:
Familial colorectal cancer. Identifiers: MedGen CN280943, MONDO:0023113. Disease mechanism: loss of function.

Allele frequency attached by ClinVar (database versions not stated): TOPMed 0.67228; 1000 Genomes Project 30x 0.73298; gnomAD 0.64971 and 0.65665.
gnomAD v4.1: 99,712 of 151,884 alleles (66%); highest among the groups gnomAD compares: East Asian, 90%; 33,120 homozygotes.

Submissions (2):

GeneDx
Classification: Benign. Last evaluated: 2019-01-10. Review status: criteria provided, single submitter. Criteria: GeneDx Variant Classification Process June 2021. Collection method: clinical testing. Allele origin: germline. Affected: yes.

Systems Biology Platform Zhejiang California International NanoSystems Institute
Classification: other for Familial colorectal cancer. Review status: no assertion criteria provided. Collection method: not provided. Allele origin: unknown. Not counted in ClinVar's aggregate classification.
ClinVar note: Converted during submission from cancer to other.

NM_000038.6(APC):c.1744-290G>A

Gene: APC (APC regulator of WNT signaling pathway; plus strand). Cytogenetic location: 5q22.2.
Variant type: single nucleotide variant.
Coding change: c.1744-290G>A on transcript NM_000038.6 (MANE Select); 290 bases into the intron before coding-DNA position 1744, G replaced by A.
Molecular consequence: intron variant.
Genome position (GRCh38, 1-based): chr5:112,834,661, G>A. VCF-style: chr5-112834661-G-A. GRCh37 (hg19) VCF-style: chr5-112170358-G-A.
Other names: c.1744-290G>A (NM_001354895.2, NM_001127510.3); c.1774-290G>A (NM_001354897.2); c.1471-290G>A (NM_001354902.2); c.1690-290G>A (NM_001127511.3); c.1669-290G>A (NM_001354898.2); c.1366-290G>A (NM_001354904.2); c.895-290G>A (NM_001354906.2); c.1798-290G>A (NM_001354896.2); and 5 more.
Identifiers: ClinVar variation 83209 (VCV000083209.4), dbSNP rs458967, ClinGen allele CA005877.
Genomic context (GRCh38, chr5:112,834,661, plus strand): 5'-CCAGCCTGAGAATAACCCACATTCTATTCTGAAAATGTTTTCTTTTCATAATGCACATCA[G>A]TTGTGCCTCATATTCTAAGATGTGTGTACTATCTAAACACTTAGAATAAAGTTTATAAAA-3'